The following is an entry in ClinVar:

NM_001032283.3(TMPO):c.565+1408G>T

Gene: TMPO (thymopoietin; plus strand). Cytogenetic location: 12q23.1.
Variant type: single nucleotide variant.
Coding change: c.565+1408G>T on transcript NM_001032283.3 (MANE Select); 1408 bases into the intron after coding-DNA position 565, G replaced by T.
Molecular consequence: intron variant. On other transcripts: missense variant (1).
Genome position (GRCh38, 1-based): chr12:98,533,246, G>T. VCF-style: chr12-98533246-G-T. GRCh37 (hg19) VCF-style: chr12-98927024-G-T.
Other names: c.989G>T, p.Cys330Phe (NM_003276.2); c.565+1408G>T (NM_001307975.2, NM_001032284.3); short protein forms C330F.
Identifiers: ClinVar variation 3223190 (VCV003223190.1), dbSNP rs2548503312, ClinGen allele CA386152238.

ClinVar aggregate classification (germline): Uncertain significance (1 of 4 stars; one submission).

Submission:

Ambry Genetics
Classification: Uncertain significance. Last evaluated: 2023-10-12. Review status: criteria provided, single submitter. Criteria: Ambry Variant Classification Scheme 2023. Collection method: clinical testing. Allele origin: germline.
Comment: The p.C330F variant (also known as c.989G>T), located in coding exon 4 of the TMPO gene, results from a G to T substitution at nucleotide position 989. The cysteine at codon 330 is replaced by phenylalanine, an amino acid with highly dissimilar properties. This amino acid position is conserved. In addition, this alteration is predicted to be tolerated by in silico analysis. Since supporting evidence is limited at this time, the clinical significance of this alteration remains unclear.